The following is an entry in ClinVar:

NM_001035.3(RYR2):c.11024C>G (p.Ala3675Gly)

Gene: RYR2 (ryanodine receptor 2; plus strand). Cytogenetic location: 1q43.
Variant type: single nucleotide variant.
Coding change: c.11024C>G on transcript NM_001035.3 (MANE Select); coding-DNA position 11024, C replaced by G.
Protein change: p.Ala3675Gly; replaces alanine 3675 with glycine.
Molecular consequence: missense variant.
Genome position (GRCh38, 1-based): chr1:237,732,134, C>G. VCF-style: chr1-237732134-C-G. GRCh37 (hg19) VCF-style: chr1-237895434-C-G.
Other names: p.A3675G:GCT>GGT; c.11024C>G, p.Ala3675Gly (LRG_402t1); short protein forms A3675G.
Identifiers: ClinVar variation 201307 (VCV000201307.11), dbSNP rs794728770, ClinGen allele CA006830.

ClinVar aggregate classification (germline): Uncertain significance. Review status: criteria provided, multiple submitters, no conflicts (2 of 4 stars). 2 submissions from 2 submitters: Uncertain significance (2). Last evaluated 2018-02-07.

Conditions:
Catecholaminergic polymorphic ventricular tachycardia 1. Also called: RYR2-Related Catecholaminergic Polymorphic Ventricular Tachycardia; VENTRICULAR TACHYCARDIA, CATECHOLAMINERGIC POLYMORPHIC, 1, WITH OR WITHOUT ATRIAL DYSFUNCTION AND/OR DILATED CARDIOMYOPATHY; VENTRICULAR TACHYCARDIA, STRESS-INDUCED POLYMORPHIC 1. Identifiers: Orphanet 3286, MedGen C1631597, MONDO:0011484, OMIM 604772.

Submissions (2):

Labcorp Genetics (formerly Invitae), Labcorp
Classification: Uncertain significance for Catecholaminergic polymorphic ventricular tachycardia 1. Last evaluated: 2018-02-07. Review status: criteria provided, single submitter. Criteria: Invitae Variant Classification Sherloc (09022015). Collection method: clinical testing. Allele origin: germline.
Comment: In summary, the available evidence is currently insufficient to determine the role of this variant in disease. Therefore, it has been classified as a Variant of Uncertain Significance. Algorithms developed to predict the effect of sequence changes on RNA splicing suggest that this variant may create or strengthen a splice site, but this prediction has not been confirmed by published transcriptional studies. Algorithms developed to predict the effect of missense changes on protein structure and function (SIFT, PolyPhen-2, Align-GVGD) all suggest that this variant is likely to be disruptive, but these predictions have not been confirmed by published functional studies and their clinical significance is uncertain. This variant has not been reported in the literature in individuals with RYR2-related disease. ClinVar contains an entry for this variant (Variation ID: 201307). This variant is not present in population databases (ExAC no frequency). This sequence change replaces alanine with glycine at codon 3675 of the RYR2 protein (p.Ala3675Gly). The alanine residue is highly conserved and there is a small physicochemical difference between alanine and glycine.

GeneDx
Classification: Uncertain significance. Last evaluated: 2014-06-02. Review status: criteria provided, single submitter. Criteria: GeneDx Variant Classification (06012015). Collection method: clinical testing. Allele origin: germline. Affected: yes.
Comment: p.Ala3675Gly (GCT>GGT): c.11024 C>G in exon 78 of the RYR2 gene (NM_001035.2). The A3675G variant has not been published as a mutation, nor has it been reported as a benign polymorphism to our knowledge. The A3675G variant was not observed in approximately 6,000 individuals of European and African American ancestry in the NHLBI Exome Sequencing Project, indicating it is not a common benign variant in these populations. The A3675G variant is a conservative amino acid substitution, which is not likely to impact secondary protein structure as these residues share similar properties. This substitution occurs at a position that is conserved across species. No missense mutations in nearby residues have been reported in association with CPVT, indicating that this region of the protein may be tolerant of change. However, in silico analysis predicts this variant is probably damaging to the protein structure/function. Therefore, based on the currently available information, it is unclear whether this variant is a pathogenic mutation or a rare benign variant. The variant is found in CPVT panel(s).